The following is an entry in ClinVar:

ClinVar aggregate classification (germline): Benign (1 of 4 stars; one submission).

Conditions:
Polyps, multiple and recurrent inflammatory fibroid, gastrointestinal. Identifiers: MedGen C5193005, MONDO:0008285, OMIM 175510.

Submission:

Myriad Genetics, Inc.
Classification: Benign for Polyps, multiple and recurrent inflammatory fibroid, gastrointestinal. Last evaluated: 2026-06-16. Review status: criteria provided, single submitter. Criteria: Myriad Autosomal Dominant, Autosomal Recessive and X-Linked Classification Criteria (2023). Collection method: clinical testing. Allele origin: unknown.
Comment: This variant is considered benign. This variant is a silent/synonymous amino acid change and it is not expected to impact splicing.

NM_006206.6(PDGFRA):c.315T>C (p.Thr105=)

Gene: PDGFRA (platelet derived growth factor receptor alpha; plus strand). Cytogenetic location: 4q12.
Variant type: single nucleotide variant.
Coding change: c.315T>C on transcript NM_006206.6 (MANE Select); coding-DNA position 315, T replaced by C.
Protein change: p.Thr105=; no amino-acid change (threonine 105 retained).
Molecular consequence: synonymous variant.
Genome position (GRCh38, 1-based): chr4:54,261,360, T>C. VCF-style: chr4-54261360-T-C. GRCh37 (hg19) VCF-style: chr4-55127527-T-C.
Other names: c.315T>C, p.Thr105= (NM_001347827.2, NM_001347829.2); c.390T>C, p.Thr130= (NM_001347828.2); c.354T>C, p.Thr118= (NM_001347830.2).
Identifiers: ClinVar variation 4875907 (VCV004875907.1).